The following is an entry in ClinVar:

ClinVar aggregate classification (germline): Conflicting classifications of pathogenicity. Review status: criteria provided, conflicting classifications (1 of 4 stars). 3 submissions from 3 submitters: Uncertain significance (1); Likely benign (2). Last evaluated 2026-07-07.

Conditions:
PCNT-related disorder. Also called: PCNT-related condition.
Microcephalic osteodysplastic primordial dwarfism type II (MOPD2). Also called: OSTEODYSPLASTIC PRIMORDIAL DWARFISM, TYPE II; Microcephalic osteodysplastic primordial dwarfism with tooth abnormalities; MOPD II. Identifiers: Orphanet 2637, MedGen C0432246, MONDO:0008872, OMIM 210720.

Submissions (3):

PreventionGenetics, part of Exact Sciences
Classification: Likely benign for PCNT-related condition. Last evaluated: 2026-07-07. Review status: criteria provided, single submitter. Criteria: ACMG Guidelines, 2015. Collection method: clinical testing. Allele origin: germline.
Comment: This variant is classified as likely benign based on ACMG/AMP sequence variant interpretation guidelines (Richards et al. 2015 PMID: 25741868, with internal and published modifications).

Labcorp Genetics (formerly Invitae), Labcorp
Classification: Likely benign. Last evaluated: 2025-09-18. Review status: criteria provided, single submitter. Criteria: Invitae Variant Classification Sherloc (09022015). Collection method: clinical testing. Allele origin: germline.

Illumina Laboratory Services, Illumina
Classification: Uncertain significance for Microcephalic osteodysplastic primordial dwarfism type II. Last evaluated: 2018-01-12. Review status: criteria provided, single submitter. Criteria: ICSL Variant Classification Criteria 13 December 2019. Collection method: clinical testing. Allele origin: germline.

NM_006031.6(PCNT):c.6468A>G (p.Pro2156=)

Gene: PCNT (pericentrin; plus strand). Cytogenetic location: 21q22.3.
Variant type: single nucleotide variant.
Coding change: c.6468A>G on transcript NM_006031.6 (MANE Select); coding-DNA position 6468, A replaced by G.
Protein change: p.Pro2156=; no amino-acid change (proline 2156 retained).
Molecular consequence: synonymous variant.
Genome position (GRCh38, 1-based): chr21:46,416,386, A>G. VCF-style: chr21-46416386-A-G. GRCh37 (hg19) VCF-style: chr21-47836300-A-G.
Other names: c.6114A>G, p.Pro2038= (NM_001315529.2).
Identifiers: ClinVar variation 340517 (VCV000340517.9), dbSNP rs886057189, ClinGen allele CA10650756.